The following is an entry in ClinVar:

NM_000552.5(VWF):c.799G>A (p.Ala267Thr)

Gene: VWF (von Willebrand factor; minus strand). Cytogenetic location: 12p13.31.
Variant type: single nucleotide variant.
Coding change: c.799G>A on transcript NM_000552.5 (MANE Select); coding-DNA position 799, G replaced by A.
Protein change: p.Ala267Thr; replaces alanine 267 with threonine.
Molecular consequence: missense variant.
Genome position (GRCh38, 1-based): chr12:6,075,410, C>T on the plus strand (G>A on the coding strand, the complement: VWF is on the minus strand). VCF-style: chr12-6075410-C-T. GRCh37 (hg19) VCF-style: chr12-6184576-C-T.
Other names: short protein forms A267T.
Identifiers: ClinVar variation 1809580 (VCV001809580.4), dbSNP rs140388695, ClinGen allele CA6403687.
Genomic context (GRCh38, chr12:6,075,410, plus strand): 5'-CGGTCCAGCCGTACAGCACCATTCCCTCCTGGGCACAGGTCCGGGCGTACTCCAGGAGGG[C>T]AGGGCAGGCGCACTCCAGCCCCCCAGCACACTCACACAAAGTCTTCTCACACAGGGCCAC-3'
Protein context (NP_000543.3, residues 257-277): CAGGLECACP[Ala267Thr]LLEYARTCAQ

ClinVar aggregate classification (germline): Uncertain significance. Review status: criteria provided, multiple submitters, no conflicts (2 of 4 stars). 4 submissions from 4 submitters: Uncertain significance (4). Last evaluated 2025-03-04.

Conditions:
von Willebrand disease type 2 (VWD2). Also called: VON WILLEBRAND DISEASE, TYPE II; VWD, TYPE 2; VON WILLEBRAND DISEASE, TYPE 2A/IIE; VON WILLEBRAND DISEASE, TYPE 2CB. Identifiers: Orphanet 166081, Orphanet 903, MedGen C1264040, MONDO:0013304, OMIM 613554.
von Willebrand disease type 1 (VWD1). Also called: VON WILLEBRAND DISEASE, TYPE I; VWD, TYPE 1. Identifiers: Orphanet 166078, Orphanet 903, MedGen C1264039, MONDO:0008668, OMIM 193400. Inheritance: autosomal recessive or autosomal dominant.
von Willebrand disease type 3 (VWD3). Also called: Type 3 Von Willebrand's disease; Type 3 VWD; Von Willebrand disease, severe form; V WD3; VON WILLEBRAND DISEASE, TYPE III. Identifiers: Orphanet 166096, MedGen C1264041, MONDO:0010191, OMIM 277480.

Allele frequency attached by ClinVar (database versions not stated): gnomAD 0.00003; TOPMed 0.00005; ExAC 0.00007; ESP Exome Variant Server 0.00008.

Submissions (4):

Center for Genomic Medicine, Rigshospitalet, Copenhagen University Hospital
Classification: Uncertain significance. Last evaluated: 2025-03-04. Review status: criteria provided, single submitter. Criteria: ACMG Guidelines, 2015. Collection method: clinical testing. Allele origin: germline.

Women's Health and Genetics/Laboratory Corporation of America, LabCorp
Classification: Uncertain significance. Last evaluated: 2024-11-01. Review status: criteria provided, single submitter. Criteria: LabCorp Variant Classification Summary - May 2015. Collection method: clinical testing. Allele origin: germline.
Comment: Variant summary: VWF c.799G>A (p.Ala267Thr) results in a non-conservative amino acid change located in the VWF/SSPO/Zonadhesin-like, cysteine-rich domain (IPR014853) of the encoded protein sequence. Four of five in-silico tools predict a benign effect of the variant on protein function. The variant allele was found at a frequency of 6.8e-05 in 251114 control chromosomes (gnomAD). This frequency is not significantly higher than estimated for a pathogenic variant in VWF causing Von Willebrand Disease, allowing no conclusion about variant significance. To our knowledge, no occurrence of c.799G>A in individuals affected with Von Willebrand Disease and no experimental evidence demonstrating its impact on protein function have been reported. ClinVar contains an entry for this variant (Variation ID: 1809580). Based on the evidence outlined above, the variant was classified as uncertain significance.

Fulgent Genetics
Classification: Uncertain significance for von Willebrand disease type 1; von Willebrand disease type 3; von Willebrand disease type 2. Last evaluated: 2024-05-23. Review status: criteria provided, single submitter. Criteria: ACMG Guidelines, 2015. Collection method: clinical testing. Allele origin: germline.

Quest Diagnostics Nichols Institute San Juan Capistrano
Classification: Uncertain significance. Last evaluated: 2021-08-04. Review status: criteria provided, single submitter. Criteria: Quest Diagnostics criteria. Collection method: clinical testing. Allele origin: unknown.